The following is an entry in ClinVar:

ClinVar aggregate classification (germline): Uncertain significance (1 of 4 stars; one submission).

Conditions:
Brody myopathy. Also called: BRODY DISEASE. Identifiers: Orphanet 53347, MedGen C1832918, MONDO:0010977, OMIM 601003.

Allele frequency attached by ClinVar (database versions not stated): gnomAD 0.00001; gnomAD exomes 0.00002; ExAC 0.00005; TOPMed 0.00006; ESP Exome Variant Server 0.00008.

Submission:

Labcorp Genetics (formerly Invitae), Labcorp
Classification: Uncertain significance for Brody myopathy. Last evaluated: 2022-11-08. Review status: criteria provided, single submitter. Criteria: Invitae Variant Classification Sherloc (09022015). Collection method: clinical testing. Allele origin: germline.
Comment: In summary, the available evidence is currently insufficient to determine the role of this variant in disease. Therefore, it has been classified as a Variant of Uncertain Significance. Algorithms developed to predict the effect of missense changes on protein structure and function are either unavailable or do not agree on the potential impact of this missense change (SIFT: "Deleterious"; PolyPhen-2: "Benign"; Align-GVGD: "Class C0"). ClinVar contains an entry for this variant (Variation ID: 846384). This variant has not been reported in the literature in individuals affected with ATP2A1-related conditions. This variant is present in population databases (rs147395745, gnomAD 0.006%). This sequence change replaces arginine, which is basic and polar, with histidine, which is basic and polar, at codon 672 of the ATP2A1 protein (p.Arg672His).

NM_004320.6(ATP2A1):c.2015G>A (p.Arg672His)

Gene: ATP2A1 (ATPase sarcoplasmic/endoplasmic reticulum Ca2+ transporting 1; plus strand). Cytogenetic location: 16p11.2.
Variant type: single nucleotide variant.
Coding change: c.2015G>A on transcript NM_004320.6 (MANE Select); coding-DNA position 2015, G replaced by A.
Protein change: p.Arg672His; replaces arginine 672 with histidine.
Molecular consequence: missense variant.
Genome position (GRCh38, 1-based): chr16:28,900,831, G>A. VCF-style: chr16-28900831-G-A. GRCh37 (hg19) VCF-style: chr16-28912152-G-A.
Other names: c.1640G>A, p.Arg547His (NM_001286075.2); c.2015G>A, p.Arg672His (NM_173201.5); short protein forms R547H, R672H.
Identifiers: ClinVar variation 846384 (VCV000846384.10), dbSNP rs147395745, ClinGen allele CA7987149.